The following is an entry in ClinVar:

NM_000392.5(ABCC2):c.2669G>A (p.Ser890Asn)

Genes: ABCC2 (ATP binding cassette subfamily C member 2; plus strand), LOC126861012 (BRD4-independent group 4 enhancer GRCh37_chr10:101589748-101590947; plus strand). Cytogenetic location: 10q24.2.
Variant type: single nucleotide variant.
Coding change: c.2669G>A on transcript NM_000392.5 (MANE Select); coding-DNA position 2669, G replaced by A.
Protein change: p.Ser890Asn; replaces serine 890 with asparagine.
Molecular consequence: missense variant.
Genome position (GRCh38, 1-based): chr10:99,830,355, G>A. VCF-style: chr10-99830355-G-A. GRCh37 (hg19) VCF-style: chr10-101590112-G-A.
Other names: p.Ser890Asn; c.2669G>A (NM_000392.4); short protein forms S890N.
Identifiers: ClinVar variation 2683120 (VCV002683120.2), dbSNP rs745670308, ClinGen allele CA5643550.

ClinVar aggregate classification (germline): Uncertain significance. Review status: criteria provided, single submitter (1 of 4 stars). 2 submissions from 2 submitters: Uncertain significance (1). 1 of the submissions does not count toward it. Last evaluated 2022-03-15.

Conditions:
ABCC2-related disorder. Also called: ABCC2-related condition.

Submissions (2):

Mayo Clinic Laboratories, Mayo Clinic
Classification: Uncertain significance. Last evaluated: 2022-03-15. Review status: criteria provided, single submitter. Criteria: ACMG Guidelines, 2015. Collection method: clinical testing. Allele origin: germline. Observed: 1 variant allele.
Comment: BP4, PM2

PreventionGenetics, part of Exact Sciences
Classification: Uncertain significance for ABCC2-related condition. Last evaluated: 2024-05-22. Review status: no assertion criteria provided. Collection method: clinical testing. Allele origin: germline. Not counted in ClinVar's aggregate classification.
Comment: The ABCC2 c.2669G>A variant is predicted to result in the amino acid substitution p.Ser890Asn. To our knowledge, this variant has not been reported in the literature. This variant is reported in 0.00088% of alleles in individuals of European (Non-Finnish) descent in gnomAD. At this time, the clinical significance of this variant is uncertain due to the absence of conclusive functional and genetic evidence.